The following is an entry in ClinVar:

ClinVar aggregate classification (germline): Uncertain significance (1 of 4 stars; one submission).

Conditions:
Hypertrophic cardiomyopathy. Also called: HYPERTROPHIC MYOCARDIOPATHY. Identifiers: Orphanet 217569, MedGen C0007194, MeSH D002312, MONDO:0005045, HP:0001639.

Submission:

Labcorp Genetics (formerly Invitae), Labcorp
Classification: Uncertain significance for Hypertrophic cardiomyopathy. Last evaluated: 2023-04-22. Review status: criteria provided, single submitter. Criteria: Invitae Variant Classification Sherloc (09022015). Collection method: clinical testing. Allele origin: germline.
Comment: Advanced modeling of protein sequence and biophysical properties (such as structural, functional, and spatial information, amino acid conservation, physicochemical variation, residue mobility, and thermodynamic stability) performed at Invitae indicates that this missense variant is expected to disrupt MYH7 protein function. This sequence change replaces aspartic acid, which is acidic and polar, with glycine, which is neutral and non-polar, at codon 89 of the MYH7 protein (p.Asp89Gly). This variant is not present in population databases (gnomAD no frequency). This missense change has been observed in individual(s) with left ventricular noncompaction (PMID: 29447731). In summary, the available evidence is currently insufficient to determine the role of this variant in disease. Therefore, it has been classified as a Variant of Uncertain Significance.

Literature cited by the submitters: PubMed 29447731.

NM_000257.4(MYH7):c.266A>G (p.Asp89Gly)

Gene: MYH7 (myosin heavy chain 7; minus strand). Cytogenetic location: 14q11.2.
Variant type: single nucleotide variant.
Coding change: c.266A>G on transcript NM_000257.4 (MANE Select); coding-DNA position 266, A replaced by G.
Protein change: p.Asp89Gly; replaces aspartic acid 89 with glycine.
Molecular consequence: missense variant.
Genome position (GRCh38, 1-based): chr14:23,433,163, T>C on the plus strand (A>G on the coding strand, the complement: MYH7 is on the minus strand). VCF-style: chr14-23433163-T-C. GRCh37 (hg19) VCF-style: chr14-23902372-T-C.
Other names: c.266A>G, p.Asp89Gly (NM_001407004.1); short protein forms D89G.
Identifiers: ClinVar variation 2910350 (VCV002910350.3), dbSNP rs2502320216, ClinGen allele CA389053299.